The following is an entry in ClinVar:

NM_001470.4(GABBR1):c.1104G>C (p.Glu368Asp)

Gene: GABBR1 (gamma-aminobutyric acid type B receptor subunit 1; minus strand). Cytogenetic location: 6p22.1.
Variant type: single nucleotide variant.
Coding change: c.1104G>C on transcript NM_001470.4 (MANE Select); coding-DNA position 1104, G replaced by C.
Protein change: p.Glu368Asp; replaces glutamic acid 368 with aspartic acid.
Molecular consequence: missense variant.
Genome position (GRCh38, 1-based): chr6:29,621,779, C>G on the plus strand (G>C on the coding strand, the complement: GABBR1 is on the minus strand). VCF-style: chr6-29621779-C-G. GRCh37 (hg19) VCF-style: chr6-29589556-C-G.
Other names: c.573G>C, p.Glu191Asp (NM_001319053.2); c.753G>C, p.Glu251Asp (NM_021903.3); c.918G>C, p.Glu306Asp (NM_021904.4); short protein forms E191D, E251D, E306D, E368D.
Identifiers: ClinVar variation 1804153 (VCV001804153.1), dbSNP rs2483321372, ClinGen allele CA363034683.
Genomic context (GRCh38, chr6:29,621,779, plus strand): 5'-CCAGTGCCCCTCCCTCTTCAGATCCAACTCCACCTCACAAAAAACTTTCCGGGCTTCAGT[C>G]TCATAGAAAAGTCCCACGATGATTCGGGCATCCTGGCGCTACAACAGAGAAAGAAACAGC-3'
Protein context (NP_001461.1, residues 358-378): DARIIVGLFY[Glu368Asp]TEARKVFCEV

ClinVar aggregate classification (germline): Likely pathogenic. Review status: criteria provided, single submitter (1 of 4 stars). 2 submissions from 2 submitters: Likely pathogenic (1). 1 of the submissions does not count toward it. Last evaluated 2022-12-06.

Conditions:
Global developmental delay (DD). Also called: Cognitive delay. Identifiers: MedGen C0557874, HP:0001263. Disease mechanism: loss of function.
Intellectual disability. Also called: Intellectual functioning disability; intellectual disabilities; Intellectual developmental disorder. Identifiers: MedGen C3714756, MeSH D008607, MONDO:0001071, HP:0001249.
Delayed speech and language development. Also called: Language delay. Identifiers: MedGen C0454644, HP:0000750.
Neurodevelopmental disorder with language delay and variable cognitive abnormalities (NEDLC). Identifiers: MedGen C5882689, MONDO:0957779, OMIM 620502.

Submissions (2):

Institute of Human Genetics, University of Leipzig Medical Center
Classification: Likely pathogenic for Delayed speech and language development; Intellectual disability; Global developmental delay. Last evaluated: 2022-12-06. Review status: criteria provided, single submitter. Criteria: ACMG Guidelines, 2015. Collection method: research. Allele origin: de novo. Affected: yes.
Comment: This variant was identified as de novo (maternity and paternity confirmed).

OMIM
Classification: Pathogenic for NEURODEVELOPMENTAL DISORDER WITH LANGUAGE DELAY AND VARIABLE COGNITIVE ABNORMALITIES. Last evaluated: 2023-09-11. Review status: no assertion criteria provided. Collection method: literature only. Allele origin: germline. Not counted in ClinVar's aggregate classification.

Literature cited by the submitters: PubMed 36103875 (cited by Institute of Human Genetics, University of Leipzig Medical Center); Cediel, M. L., Stawarski, M., Blanc, X., Noskova, L., Magner, M., Platzer, K., Gburek-Augustat, J., Baldridge, D., Constantino, J. N., Ranza, E., Bettler, B., Antonarakis, S. E. GABBR1 monoallelic de novo variants linked to neurodevelopmental delay and epilepsy. Am. J. Hum. Genet. 109: 1885-1893, 2022. (cited by OMIM).